The following is an entry in ClinVar:

NM_001039348.3(EFEMP1):c.1482G>T (p.Ter494Tyr)

Gene: EFEMP1 (EGF-like fibulin extracellular matrix protein 1; minus strand). Cytogenetic location: 2p16.1.
Variant type: single nucleotide variant.
Coding change: c.1482G>T on transcript NM_001039348.3 (MANE Select); coding-DNA position 1482, G replaced by T.
Protein change: p.Ter494Tyr.
Molecular consequence: stop lost.
Genome position (GRCh38, 1-based): chr2:55,867,073, C>A on the plus strand (G>T on the coding strand, the complement: EFEMP1 is on the minus strand). VCF-style: chr2-55867073-C-A. GRCh37 (hg19) VCF-style: chr2-56094208-C-A.
Other names: c.1482G>T, p.Ter494Tyr (NM_001039349.3).
Identifiers: ClinVar variation 2026561 (VCV002026561.4), dbSNP rs2465720142, ClinGen allele CA347027270.

ClinVar aggregate classification (germline): Uncertain significance (1 of 4 stars; one submission).

Submission:

Labcorp Genetics (formerly Invitae), Labcorp
Classification: Uncertain significance. Last evaluated: 2024-04-05. Review status: criteria provided, single submitter. Criteria: Invitae Variant Classification Sherloc (09022015). Collection method: clinical testing. Allele origin: germline.
Comment: This sequence change disrupts the translational stop signal of the EFEMP1 mRNA. It is expected to extend the length of the EFEMP1 protein by 29 additional amino acid residues. This variant is not present in population databases (gnomAD no frequency). This variant has not been reported in the literature in individuals affected with EFEMP1-related conditions. ClinVar contains an entry for this variant (Variation ID: 2026561). Experimental studies and prediction algorithms are not available or were not evaluated, and the functional significance of this variant is currently unknown. This variant results in an extension of the EFEMP1 protein. Other variant(s) that result in a similarly extended protein product (p.Ter494Gln ext*29) have been determined to be pathogenic (PMID: 34923728). This suggests that these extensions are likely to be disease-causing. In summary, the available evidence is currently insufficient to determine the role of this variant in disease. Therefore, it has been classified as a Variant of Uncertain Significance.

Literature cited by the submitters: PubMed 34923728.